The following is an entry in ClinVar:

NM_020771.4(HACE1):c.1678+1G>T

Gene: HACE1 (HECT domain and ankyrin repeat containing E3 ubiquitin protein ligase 1; minus strand). Cytogenetic location: 6q16.3.
Variant type: single nucleotide variant.
Coding change: c.1678+1G>T on transcript NM_020771.4 (MANE Select); the canonical splice donor site of the intron after coding-DNA position 1678, G replaced by T.
Molecular consequence: splice donor variant.
Genome position (GRCh38, 1-based): chr6:104,777,205, C>A on the plus strand (G>T on the coding strand, the complement: HACE1 is on the minus strand). VCF-style: chr6-104777205-C-A. GRCh37 (hg19) VCF-style: chr6-105225080-C-A.
Other names: c.1387+1G>T (NM_001350555.2); c.895+1G>T (NM_001350560.2); c.1174+1G>T (NM_001350557.2, NM_001350558.2, NM_001321084.2); c.1192+1G>T (NM_001350556.2); c.1096+1G>T (NM_001350559.2); c.1546+1G>T (NM_001321080.2); c.1444+1G>T (NM_001350554.2); c.1576+1G>T (NM_001321083.2).
Identifiers: ClinVar variation 4531224 (VCV004531224.1).

ClinVar aggregate classification (germline): Likely pathogenic (1 of 4 stars; one submission).

Conditions:
Spastic paraplegia-severe developmental delay-epilepsy syndrome. Also called: Spastic paraplegia and psychomotor retardation with or without seizures. Identifiers: Orphanet 464282, MedGen C4225215, MONDO:0014764, OMIM 616756.

Submission:

Juno Genomics, Hangzhou Juno Genomics, Inc
Classification: Likely pathogenic for Spastic paraplegia-severe developmental delay-epilepsy syndrome. Review status: criteria provided, single submitter. Criteria: ACMG Guidelines, 2015. Collection method: clinical testing. Allele origin: germline. Affected: yes.
Comment: Absent from controls (or at extremely low frequency if recessive) in Genome Aggregation Database, Exome Sequencing Project, 1000 Genomes Project, or Exome Aggregation Consortium.;Null variant in a gene where loss of function (LOF) is a known mechanism of disease.